The following is an entry in ClinVar:

NM_000051.4(ATM):c.8712G>C (p.Glu2904Asp)

Genes: C11orf65 (chromosome 11 open reading frame 65; minus strand), ATM (ATM serine/threonine kinase; plus strand). Cytogenetic location: 11q22.3.
Variant type: single nucleotide variant.
Coding change: c.8712G>C on transcript NM_000051.4 (MANE Select); coding-DNA position 8712, G replaced by C.
Protein change: p.Glu2904Asp; replaces glutamic acid 2904 with aspartic acid.
Molecular consequence: missense variant. On other transcripts: intron variant (2).
Genome position (GRCh38, 1-based): chr11:108,353,806, G>C. VCF-style: chr11-108353806-G-C. GRCh37 (hg19) VCF-style: chr11-108224533-G-C.
Other names: c.8712G>C, p.Glu2904Asp (NM_001351834.2); c.640+32114C>G (NM_001330368.2); c.695-18514C>G (NM_001351110.2); short protein forms E2904D.
Identifiers: ClinVar variation 1764420 (VCV001764420.6), dbSNP rs1349488841, ClinGen allele CA382523791.

ClinVar aggregate classification (germline): Conflicting classifications of pathogenicity. Review status: criteria provided, conflicting classifications (1 of 4 stars). 2 submissions from 2 submitters: Likely pathogenic (1); Uncertain significance (1). Last evaluated 2024-04-10.

Conditions:
Ataxia-telangiectasia syndrome (AT). Also called: Ataxia telangiectasia (A-T); LOUIS-BAR SYNDROME; Cerebello-oculocutaneous telangiectasia; Immunodeficiency with ataxia telangiectasia; Ataxia-telangiectasia, complementation group D; AT, COMPLEMENTATION GROUP C. Identifiers: Orphanet 100, MedGen C0004135, MONDO:0008840, OMIM 208900.
Hereditary cancer-predisposing syndrome. Also called: Hereditary neoplastic syndrome; Neoplastic Syndromes, Hereditary; Tumor predisposition; Hereditary Cancer Syndrome. Identifiers: Orphanet 140162, MedGen C0027672, MeSH D009386, MONDO:0015356.

Allele frequency attached by ClinVar (database versions not stated): gnomAD 0.00001.
gnomAD v4.1: 1 of 1,614,078 alleles (0.000062%); highest among the groups gnomAD compares: Middle Eastern, 0.016%; no homozygotes.

Submissions (2):

Labcorp Genetics (formerly Invitae), Labcorp
Classification: Likely pathogenic for Ataxia-telangiectasia syndrome. Last evaluated: 2024-04-10. Review status: criteria provided, single submitter. Criteria: Invitae Variant Classification Sherloc (09022015). Collection method: clinical testing. Allele origin: germline.
Comment: This sequence change replaces glutamic acid, which is acidic and polar, with aspartic acid, which is acidic and polar, at codon 2904 of the ATM protein (p.Glu2904Asp). This variant is not present in population databases (gnomAD no frequency). This variant has not been reported in the literature in individuals affected with ATM-related conditions. ClinVar contains an entry for this variant (Variation ID: 1764420). An algorithm developed to predict the effect of missense changes on protein structure and function (PolyPhen-2) suggests that this variant is likely to be disruptive. This variant disrupts the p.Glu2904 amino acid residue in ATM. Other variant(s) that disrupt this residue have been determined to be pathogenic (PMID: 8845835, 9244351). This suggests that this residue is clinically significant, and that variants that disrupt this residue are likely to be disease-causing. In summary, the currently available evidence indicates that the variant is pathogenic, but additional data are needed to prove that conclusively. Therefore, this variant has been classified as Likely Pathogenic.

Ambry Genetics
Classification: Uncertain significance for Hereditary cancer-predisposing syndrome. Last evaluated: 2020-12-22. Review status: criteria provided, single submitter. Criteria: Ambry Variant Classification Scheme 2023. Collection method: clinical testing. Allele origin: germline.
Comment: The p.E2904D variant (also known as c.8712G>C), located in coding exon 59 of the ATM gene, results from a G to C substitution at nucleotide position 8712. The glutamic acid at codon 2904 is replaced by aspartic acid, an amino acid with highly similar properties. This amino acid position is highly conserved in available vertebrate species. In addition, this alteration is predicted to be deleterious by in silico analysis. Since supporting evidence is limited at this time, the clinical significance of this alteration remains unclear.

Literature cited by the submitters: PubMed 8845835 (cited by Labcorp Genetics (formerly Invitae), Labcorp); PubMed 9244351 (cited by Labcorp Genetics (formerly Invitae), Labcorp).